The following is an entry in ClinVar:

NM_025132.4(WDR19):c.523-3T>C

Gene: WDR19 (WD repeat domain 19; plus strand). Cytogenetic location: 4p14.
Variant type: single nucleotide variant.
Coding change: c.523-3T>C on transcript NM_025132.4 (MANE Select); 3 bases into the intron before coding-DNA position 523, T replaced by C.
Molecular consequence: intron variant.
Genome position (GRCh38, 1-based): chr4:39,203,639, T>C. VCF-style: chr4-39203639-T-C. GRCh37 (hg19) VCF-style: chr4-39205259-T-C.
Other names: c.43-3T>C (NM_001317924.2).
Identifiers: ClinVar variation 348725 (VCV000348725.16), dbSNP rs747603843, ClinGen allele CA2891656.

ClinVar aggregate classification (germline): Conflicting classifications of pathogenicity. Review status: criteria provided, conflicting classifications (1 of 4 stars). 7 submissions from 6 submitters: Uncertain significance (3); Likely benign (1). 3 of the submissions do not count toward it. Last evaluated 2024-10-22.

Conditions:
Asphyxiating thoracic dystrophy 5 (SRTD5). Also called: SHORT-RIB THORACIC DYSPLASIA 5 WITH OR WITHOUT POLYDACTYLY; SHORT-RIB THORACIC DYSPLASIA 5 WITHOUT POLYDACTYLY. Identifiers: Orphanet 474, MedGen C3280598, MONDO:0013717, OMIM 614376.
Senior-Loken syndrome 8 (SLSN8). Identifiers: Orphanet 3156, MedGen C4225376, MONDO:0014579, OMIM 616307.
WDR19-related disorder. Also called: WDR19-related disorders; WDR19-related condition. Identifiers: MedGen CN380161.
Cranioectodermal dysplasia 4 (CED4). Identifiers: Orphanet 1515, MedGen C3280616, MONDO:0013719, OMIM 614378.

Allele frequency attached by ClinVar (database versions not stated): gnomAD 0.00003; TOPMed 0.00003; gnomAD exomes 0.00006 and 0.00010; ExAC 0.00009.
gnomAD v4.1: 102 of 1,610,710 alleles (0.0063%); highest among the groups gnomAD compares: Middle Eastern, 0.082%; no homozygotes.

Submissions (7):

Blueprint Genetics
Classification: Likely benign. Last evaluated: 2024-10-22. Review status: criteria provided, single submitter. Criteria: ACMG Guidelines, 2015. Collection method: clinical testing. Allele origin: germline.

Labcorp Genetics (formerly Invitae), Labcorp
Classification: Uncertain significance for Senior-Loken syndrome 8; Asphyxiating thoracic dystrophy 5. Last evaluated: 2024-01-24. Review status: criteria provided, single submitter. Criteria: Invitae Variant Classification Sherloc (09022015). Collection method: clinical testing. Allele origin: germline.
Comment: This sequence change falls in intron 6 of the WDR19 gene. It does not directly change the encoded amino acid sequence of the WDR19 protein. It affects a nucleotide within the consensus splice site. This variant is present in population databases (rs747603843, gnomAD 0.03%). This variant has not been reported in the literature in individuals affected with WDR19-related conditions. ClinVar contains an entry for this variant (Variation ID: 348725). Variants that disrupt the consensus splice site are a relatively common cause of aberrant splicing (PMID: 17576681, 9536098). Algorithms developed to predict the effect of sequence changes on RNA splicing suggest that this variant is not likely to affect RNA splicing. In summary, the available evidence is currently insufficient to determine the role of this variant in disease. Therefore, it has been classified as a Variant of Uncertain Significance.

Illumina Laboratory Services, Illumina
Classification: Uncertain significance for Asphyxiating thoracic dystrophy 5. Last evaluated: 2018-01-13. Review status: criteria provided, single submitter. Criteria: ICSL Variant Classification Criteria 13 December 2019. Collection method: clinical testing. Allele origin: germline.

Illumina Laboratory Services, Illumina
Classification: Uncertain significance for Cranioectodermal dysplasia 4. Last evaluated: 2018-01-13. Review status: criteria provided, single submitter. Criteria: ICSL Variant Classification Criteria 13 December 2019. Collection method: clinical testing. Allele origin: germline.

PreventionGenetics, part of Exact Sciences
Classification: Likely benign for WDR19-related condition. Last evaluated: 2020-01-17. Review status: no assertion criteria provided. Collection method: clinical testing. Allele origin: germline. Not counted in ClinVar's aggregate classification.
Comment: This variant is classified as likely benign based on ACMG/AMP sequence variant interpretation guidelines (Richards et al. 2015 PMID: 25741868, with internal and published modifications).

Clinical Genetics DNA and cytogenetics Diagnostics Lab, Erasmus MC, Erasmus Medical Center
Classification: Likely benign. Review status: no assertion criteria provided. Collection method: clinical testing. Allele origin: germline. Affected: yes. Study: VKGL Data-share Consensus. Not counted in ClinVar's aggregate classification.

Clinical Genetics, Academic Medical Center
Classification: Likely benign. Review status: no assertion criteria provided. Collection method: clinical testing. Allele origin: germline. Affected: yes. Study: VKGL Data-share Consensus. Not counted in ClinVar's aggregate classification.

Literature cited by the submitters: PubMed 17576681 (cited by Labcorp Genetics (formerly Invitae), Labcorp); PubMed 9536098 (cited by Labcorp Genetics (formerly Invitae), Labcorp).